The following is an entry in ClinVar:

ClinVar aggregate classification (germline): Uncertain significance. Review status: criteria provided, multiple submitters, no conflicts (2 of 4 stars). 3 submissions from 2 submitters: Uncertain significance (2). 1 of the submissions does not count toward it. Last evaluated 2025-10-22.

Conditions:
Neuronopathy, distal hereditary motor, autosomal recessive 10 (HMNR10). Also called: NEUROPATHY, DISTAL HEREDITARY MOTOR, AUTOSOMAL RECESSIVE 10; VRK1-RELATED MOTOR NEURON DISEASE. Identifiers: MedGen C5882703, MONDO:0957876, OMIM 620542.
Pontocerebellar hypoplasia type 1A (PCH1A). Also called: PONTOCEREBELLAR HYPOPLASIA WITH ANTERIOR HORN CELL DISEASE; PONTOCEREBELLAR HYPOPLASIA WITH INFANTILE SPINAL MUSCULAR ATROPHY. Identifiers: Orphanet 2254, Orphanet 88616, MedGen C1843504, MONDO:0011866, OMIM 607596.

Allele frequency attached by ClinVar (database versions not stated): gnomAD exomes below 0.00001.
gnomAD v4.1: 1 of 1,613,378 alleles (0.000062%); highest among the groups gnomAD compares: Non-Finnish European, 0.000085%; no homozygotes.

Submissions (3):

Women's Health and Genetics/Laboratory Corporation of America, LabCorp
Classification: Uncertain significance. Last evaluated: 2025-10-22. Review status: criteria provided, single submitter. Criteria: LabCorp Variant Classification Summary - May 2015. Collection method: clinical testing. Allele origin: germline.
Comment: Variant summary: VRK1 c.236C>T (p.Pro79Leu) results in a non-conservative amino acid change in the encoded protein sequence. Algorithms developed to predict the effect of missense changes on protein structure and function are either unavailable or do not agree on the potential impact of this missense change. The variant was absent in 251186 control chromosomes. The available data on variant occurrences in the general population are insufficient to allow any conclusion about variant significance. c.236C>T has been observed in individual(s) affected with congenital microcephaly (Shaheen_2019). These report(s) do not provide unequivocal conclusions about association of the variant with Pontocerebellar Hypoplasia, Type 1A. At least one publication reports experimental evidence evaluating an impact on protein function, however, does not allow convincing conclusions about the variant effect (Campos-Diaz_2024). The following publications have been ascertained in the context of this evaluation (PMID: 38554151, 30214071). ClinVar contains an entry for this variant (Variation ID: 1251999). Based on the evidence outlined above, the variant was classified as uncertain significance.

Genomic Medicine Center of Excellence, King Faisal Specialist Hospital and Research Centre
Classification: Uncertain significance for Neuronopathy, distal hereditary motor, autosomal recessive 10. Last evaluated: 2024-03-17. Review status: criteria provided, single submitter. Criteria: ACMG Guidelines, 2015. Collection method: research. Allele origin: germline.

Genomic Medicine Center of Excellence, King Faisal Specialist Hospital and Research Centre
Classification: Likely pathogenic for Pontocerebellar hypoplasia type 1A. Last evaluated: 2021-04-29. Review status: no assertion criteria provided. Collection method: research. Allele origin: germline. Affected: yes. Not counted in ClinVar's aggregate classification.

Literature cited by the submitters: PubMed 30214071 (cited by Women's Health and Genetics/Laboratory Corporation of America, LabCorp); PubMed 38554151 (cited by Women's Health and Genetics/Laboratory Corporation of America, LabCorp).

NM_003384.3(VRK1):c.236C>T (p.Pro79Leu)

Gene: VRK1 (VRK serine/threonine kinase 1; plus strand). Cytogenetic location: 14q32.2.
Variant type: single nucleotide variant.
Coding change: c.236C>T on transcript NM_003384.3 (MANE Select); coding-DNA position 236, C replaced by T.
Protein change: p.Pro79Leu; replaces proline 79 with leucine.
Molecular consequence: missense variant.
Genome position (GRCh38, 1-based): chr14:96,846,114, C>T. VCF-style: chr14-96846114-C-T. GRCh37 (hg19) VCF-style: chr14-97312451-C-T.
Other names: short protein forms P79L.
Identifiers: ClinVar variation 1251999 (VCV001251999.5), dbSNP rs2139779062, ClinGen allele CA390929335.
Genomic context (GRCh38, chr14:96,846,114, plus strand): 5'-TTTTAACTACTGCTAGTACTAATTAACTCTTATATTTTAAGGAACCCAGTGACAATGGAC[C>T]TCTTTTTACTGAATTAAAGTTCTACCAACGAGCTGCAAAACCAGAGCAAAGTAAGAAATA-3'
Protein context (NP_003375.1, residues 69-89): VVKVEPSDNG[Pro79Leu]LFTELKFYQR